The following is an entry in ClinVar:

ClinVar aggregate classification (germline): Uncertain significance (1 of 4 stars; one submission).

Conditions:
Hereditary cancer-predisposing syndrome. Also called: Hereditary Cancer Syndrome; Hereditary neoplastic syndrome; Neoplastic Syndromes, Hereditary; Tumor predisposition. Identifiers: Orphanet 140162, MedGen C0027672, MeSH D009386, MONDO:0015356.

Submission:

Ambry Genetics
Classification: Uncertain significance for Hereditary cancer-predisposing syndrome. Last evaluated: 2022-10-24. Review status: criteria provided, single submitter. Criteria: Ambry Variant Classification Scheme 2023. Collection method: clinical testing. Allele origin: germline.
Comment: The p.G147S variant (also known as c.439G>A), located in coding exon 6 of the POLE gene, results from a G to A substitution at nucleotide position 439. The glycine at codon 147 is replaced by serine, an amino acid with similar properties. This amino acid position is conserved. In addition, the in silico prediction for this alteration is inconclusive. Since supporting evidence is limited at this time, the clinical significance of this alteration remains unclear.

NM_006231.4(POLE):c.439G>A (p.Gly147Ser)

Gene: POLE (DNA polymerase epsilon, catalytic subunit; minus strand). Cytogenetic location: 12q24.33.
Variant type: single nucleotide variant.
Coding change: c.439G>A on transcript NM_006231.4 (MANE Select); coding-DNA position 439, G replaced by A.
Protein change: p.Gly147Ser; replaces glycine 147 with serine.
Molecular consequence: missense variant.
Genome position (GRCh38, 1-based): chr12:132,679,636, C>T on the plus strand (G>A on the coding strand, the complement: POLE is on the minus strand). VCF-style: chr12-132679636-C-T. GRCh37 (hg19) VCF-style: chr12-133256222-C-T.
Other names: short protein forms G147S.
Identifiers: ClinVar variation 1740286 (VCV001740286.2), dbSNP rs2136027799, ClinGen allele CA387367592.